The following is an entry in ClinVar:

ClinVar aggregate classification (germline): Likely benign. Review status: criteria provided, multiple submitters, no conflicts (2 of 4 stars). 2 submissions from 2 submitters: Likely benign (2). Last evaluated 2024-09-29.

Conditions:
Fanconi anemia (FA). Also called: Fanconi's anemia. Identifiers: Orphanet 84, MedGen C0015625, MeSH D005199, MONDO:0019391.

Allele frequency attached by ClinVar (database versions not stated): gnomAD exomes 0.00001.
gnomAD v4.1: 4 of 1,614,140 alleles (0.00025%); highest among the groups gnomAD compares: East Asian, 0.0022%; no homozygotes.

Submissions (2):

Labcorp Genetics (formerly Invitae), Labcorp
Classification: Likely benign for Fanconi anemia. Last evaluated: 2024-09-29. Review status: criteria provided, single submitter. Criteria: Invitae Variant Classification Sherloc (09022015). Collection method: clinical testing. Allele origin: germline.

CeGaT Center for Human Genetics Tuebingen
Classification: Likely benign. Last evaluated: 2023-08-01. Review status: criteria provided, single submitter. Criteria: CeGaT Center For Human Genetics Tuebingen Variant Classification Criteria Version 2. Collection method: clinical testing. Allele origin: germline. Affected: yes. Observed: 1 variant allele.
Comment: SLX4: BP4, BP7

NM_032444.4(SLX4):c.4554G>A (p.Glu1518=)

Gene: SLX4 (SLX4 structure-specific endonuclease subunit; minus strand). Cytogenetic location: 16p13.3.
Variant type: single nucleotide variant.
Coding change: c.4554G>A on transcript NM_032444.4 (MANE Select); coding-DNA position 4554, G replaced by A.
Protein change: p.Glu1518=; no amino-acid change (glutamic acid 1518 retained).
Molecular consequence: synonymous variant.
Genome position (GRCh38, 1-based): chr16:3,589,084, C>T on the plus strand (G>A on the coding strand, the complement: SLX4 is on the minus strand). VCF-style: chr16-3589084-C-T. GRCh37 (hg19) VCF-style: chr16-3639085-C-T.
Identifiers: ClinVar variation 2058190 (VCV002058190.28), dbSNP rs996201333, ClinGen allele CA493390895.